The following is an entry in ClinVar:

ClinVar aggregate classification (germline): Uncertain significance (1 of 4 stars; one submission).

Conditions:
Brown-Vialetto-van Laere syndrome 2. Also called: Riboflavin transporter deficiency type 2; SPINOCEREBELLAR ATAXIA WITH BLINDNESS AND DEAFNESS 2. Identifiers: Orphanet 572543, Orphanet 97229, MedGen C3553538, MONDO:0013867, OMIM 614707.

Submission:

Labcorp Genetics (formerly Invitae), Labcorp
Classification: Uncertain significance for Brown-Vialetto-van Laere syndrome 2. Last evaluated: 2021-06-14. Review status: criteria provided, single submitter. Criteria: Invitae Variant Classification Sherloc (09022015). Collection method: clinical testing. Allele origin: germline.
Comment: In summary, the available evidence is currently insufficient to determine the role of this variant in disease. Therefore, it has been classified as a Variant of Uncertain Significance. Advanced modeling of protein sequence and biophysical properties (such as structural, functional, and spatial information, amino acid conservation, physicochemical variation, residue mobility, and thermodynamic stability) performed at Invitae indicates that this missense variant is expected to disrupt SLC52A2 protein function. This variant has not been reported in the literature in individuals with SLC52A2-related conditions. This variant is not present in population databases (ExAC no frequency). This sequence change replaces asparagine with serine at codon 59 of the SLC52A2 protein (p.Asn59Ser). The asparagine residue is highly conserved and there is a small physicochemical difference between asparagine and serine.

NM_001363118.2(SLC52A2):c.176A>G (p.Asn59Ser)

Gene: SLC52A2 (solute carrier family 52 member 2; plus strand). Cytogenetic location: 8q24.3.
Variant type: single nucleotide variant.
Coding change: c.176A>G on transcript NM_001363118.2 (MANE Select); coding-DNA position 176, A replaced by G.
Protein change: p.Asn59Ser; replaces asparagine 59 with serine.
Molecular consequence: missense variant. On other transcripts: non-coding transcript variant (1), intron variant (1).
Genome position (GRCh38, 1-based): chr8:144,359,668, A>G. VCF-style: chr8-144359668-A-G. GRCh37 (hg19) VCF-style: chr8-145583328-A-G.
Other names: c.176A>G, p.Asn59Ser (NM_001253815.2, NM_001253816.2, NM_001363120.2 and 2 more transcripts); c.130+245A>G (NM_001363122.2); short protein forms N59S.
Identifiers: ClinVar variation 1493748 (VCV001493748.8), dbSNP rs1264287581, ClinGen allele CA372626289.